The following is an entry in ClinVar:

NM_032043.3(BRIP1):c.2718G>T (p.Glu906Asp)

Gene: BRIP1 (BRCA1 interacting DNA helicase 1; minus strand). Cytogenetic location: 17q23.2.
Variant type: single nucleotide variant.
Coding change: c.2718G>T on transcript NM_032043.3 (MANE Select); coding-DNA position 2718, G replaced by T.
Protein change: p.Glu906Asp; replaces glutamic acid 906 with aspartic acid.
Molecular consequence: missense variant.
Genome position (GRCh38, 1-based): chr17:61,686,023, C>A on the plus strand (G>T on the coding strand, the complement: BRIP1 is on the minus strand). VCF-style: chr17-61686023-C-A. GRCh37 (hg19) VCF-style: chr17-59763384-C-A.
Other names: short protein forms E906D.
Identifiers: ClinVar variation 1004354 (VCV001004354.13), dbSNP rs1042327124, ClinGen allele CA400481670.

ClinVar aggregate classification (germline): Uncertain significance. Review status: criteria provided, multiple submitters, no conflicts (2 of 4 stars). 3 submissions from 3 submitters: Uncertain significance (3). Last evaluated 2022-12-02.

Conditions:
Familial cancer of breast. Also called: hereditary breast carcinoma; BREAST CANCER, FAMILIAL; Hereditary breast cancer. Identifiers: Orphanet 227535, MedGen C0346153, MONDO:0016419, OMIM 114480. Disease mechanism: loss of function.
Fanconi anemia complementation group J. Also called: BRIP1-Related Fanconi Anemia. Identifiers: Orphanet 84, MedGen C1836860, MONDO:0012187, OMIM 609054.
Hereditary cancer-predisposing syndrome. Also called: Hereditary neoplastic syndrome; Neoplastic Syndromes, Hereditary; Tumor predisposition; Hereditary Cancer Syndrome. Identifiers: Orphanet 140162, MedGen C0027672, MeSH D009386, MONDO:0015356.
Ovarian cancer. Also called: OVARIAN CANCER, SOMATIC. Identifiers: Orphanet 213500, MedGen C1140680, MONDO:0008170, OMIM 167000.

Allele frequency attached by ClinVar (database versions not stated): TOPMed below 0.00001.

Submissions (3):

Institute of Medical Genetics and Applied Genomics, University Hospital Tübingen
Classification: Uncertain significance for Ovarian cancer. Last evaluated: 2022-12-02. Review status: criteria provided, single submitter. Criteria: ACMG Guidelines, 2015. Collection method: clinical testing. Allele origin: germline. Inheritance: Autosomal dominant inheritance. Affected: yes.

Labcorp Genetics (formerly Invitae), Labcorp
Classification: Uncertain significance for Familial cancer of breast; Fanconi anemia complementation group J. Last evaluated: 2022-04-29. Review status: criteria provided, single submitter. Criteria: Invitae Variant Classification Sherloc (09022015). Collection method: clinical testing. Allele origin: germline.
Comment: This sequence change replaces glutamic acid, which is acidic and polar, with aspartic acid, which is acidic and polar, at codon 906 of the BRIP1 protein (p.Glu906Asp). This variant is not present in population databases (gnomAD no frequency). In summary, the available evidence is currently insufficient to determine the role of this variant in disease. Therefore, it has been classified as a Variant of Uncertain Significance. Algorithms developed to predict the effect of missense changes on protein structure and function output the following: SIFT: "Tolerated"; PolyPhen-2: "Benign"; Align-GVGD: "Class C0". The aspartic acid amino acid residue is found in multiple mammalian species, which suggests that this missense change does not adversely affect protein function. ClinVar contains an entry for this variant (Variation ID: 1004354). This variant has not been reported in the literature in individuals affected with BRIP1-related conditions.

Ambry Genetics
Classification: Uncertain significance for Hereditary cancer-predisposing syndrome. Last evaluated: 2020-02-20. Review status: criteria provided, single submitter. Criteria: Ambry Variant Classification Scheme 2023. Collection method: clinical testing. Allele origin: germline.
Comment: The p.E906D variant (also known as c.2718G>T), located in coding exon 18 of the BRIP1 gene, results from a G to T substitution at nucleotide position 2718. The glutamic acid at codon 906 is replaced by aspartic acid, an amino acid with highly similar properties. This amino acid position is not well conserved in available vertebrate species. In addition, this alteration is predicted to be tolerated by in silico analysis. Since supporting evidence is limited at this time, the clinical significance of this alteration remains unclear.